The following is an entry in ClinVar:

ClinVar aggregate classification (germline): Benign/Likely benign. Review status: criteria provided, multiple submitters, no conflicts (2 of 4 stars). 4 submissions from 4 submitters: Benign (3); Likely benign (1). Last evaluated 2023-02-10.

Allele frequency attached by ClinVar (database versions not stated): gnomAD exomes 0.00117 and 0.00238; gnomAD 0.00138 and 0.00140; 1000 Genomes Project 30x 0.00156; TOPMed 0.00161; ExAC 0.00176; 1000 Genomes Project 0.00180; ESP Exome Variant Server 0.00192.
gnomAD v4.1: 2,057 of 1,614,158 alleles (0.13%); highest among the groups gnomAD compares: Middle Eastern, 1.6%; 15 homozygotes.

Submissions (4):

Mayo Clinic Laboratories, Mayo Clinic
Classification: Benign. Last evaluated: 2023-02-10. Review status: criteria provided, single submitter. Criteria: ACMG Guidelines, 2015. Collection method: clinical testing. Allele origin: germline. Observed: 2 variant alleles.
Comment: BS1, BS2, BP4, BP7

CeGaT Center for Human Genetics Tuebingen
Classification: Likely benign. Last evaluated: 2022-12-01. Review status: criteria provided, single submitter. Criteria: CeGaT Center For Human Genetics Tuebingen Variant Classification Criteria Version 2. Collection method: clinical testing. Allele origin: germline. Affected: yes. Observed: 2 variant alleles.
Comment: CCNF: BP4, BP7

Labcorp Genetics (formerly Invitae), Labcorp
Classification: Benign. Last evaluated: 2019-12-31. Review status: criteria provided, single submitter. Criteria: Invitae Variant Classification Sherloc (09022015). Collection method: clinical testing. Allele origin: germline.

Breakthrough Genomics
Classification: Benign. Review status: criteria provided, single submitter. Criteria: ACMG Guidelines, 2015. Collection method: not provided. Allele origin: germline. Inheritance: Autosomal dominant inheritance. Affected: yes.

NM_001761.3(CCNF):c.111A>G (p.Glu37=)

Gene: CCNF (cyclin F; plus strand). Cytogenetic location: 16p13.3.
Variant type: single nucleotide variant.
Coding change: c.111A>G on transcript NM_001761.3 (MANE Select); coding-DNA position 111, A replaced by G.
Protein change: p.Glu37=; no amino-acid change (glutamic acid 37 retained).
Molecular consequence: synonymous variant. On other transcripts: 5 prime UTR variant (1).
Genome position (GRCh38, 1-based): chr16:2,431,224, A>G. VCF-style: chr16-2431224-A-G. GRCh37 (hg19) VCF-style: chr16-2481225-A-G.
Other names: p.Glu37=; c.-707A>G (NM_001323538.2).
Identifiers: ClinVar variation 732430 (VCV000732430.30), dbSNP rs151217933, ClinGen allele CA7841963.